The following is an entry in ClinVar:

NM_017882.3(CLN6):c.396dup (p.Val133fs)

Gene: CLN6 (CLN6 transmembrane ER protein; minus strand). Cytogenetic location: 15q23.
Variant type: Duplication.
Coding change: c.396dup on transcript NM_017882.3 (MANE Select); coding-DNA position 396, one base duplicated (T; older notation c.396dupT).
Protein change: p.Val133fs; shifts the reading frame from valine 133.
Molecular consequence: frameshift variant.
Genome position (GRCh38, 1-based): chr15:68,211,765, A duplicated on the plus strand (T on the coding strand, the reverse complement: CLN6 is on the minus strand). VCF-style (leftmost placement, unchanged base first): chr15-68211764-C-CA. GRCh37 (hg19) VCF-style: chr15-68504102-C-CA.
Other names: c.396dupT (NM_017882.3, NM_017882.2); short protein forms V133fs.
Identifiers: ClinVar variation 1180629 (VCV001180629.6), dbSNP rs2141139300, ClinGen allele CA2573054099.

ClinVar aggregate classification (germline): Pathogenic/Likely pathogenic. Review status: criteria provided, multiple submitters, no conflicts (2 of 4 stars). 5 submissions from 5 submitters: Pathogenic (4); Likely pathogenic (1). Last evaluated 2025-08-06.

Conditions:
Ceroid lipofuscinosis, neuronal, 6A. Also called: Neuronal ceroid lipofuscinosis, late infantile, variant; Neuronal ceroid lipofuscinosis, Gypsy/Indian early juvenile variant; Neuronal ceroid lipofuscinosis 6; CLN6-Related Neuronal Ceroid-Lipofuscinosis. Identifiers: Orphanet 168491, Orphanet 228363, MedGen C5551375, MONDO:0011144, OMIM 601780.
Abnormality of the nervous system. Also called: Congenital nervous system disorder. Identifiers: MedGen C0497552, MONDO:0002320, HP:0000707.
Neuronal ceroid lipofuscinosis. Also called: Neuronal Ceroid Lipofuscinoses. Identifiers: Orphanet 216, Orphanet 79263, MedGen C0027877, MONDO:0016295. Disease mechanism: loss of function.
Ceroid lipofuscinosis, neuronal, 6B (Kufs type). Also called: Neuronal ceroid lipofuscinosis 4A. Identifiers: Orphanet 700477, MedGen C5561927, MONDO:0008768, OMIM 204300.
CLN6-related disorder. Also called: CLN6-related condition.

Allele frequency attached by ClinVar (database versions not stated): gnomAD 0.00001.

Submissions (5):

Natera, Inc.
Classification: Pathogenic for Ceroid lipofuscinosis, neuronal, 6A. Last evaluated: 2025-08-06. Review status: criteria provided, single submitter. Criteria: Natera Variant Classification Schema (03/2026). Collection method: clinical testing. Allele origin: germline.
Comment: The c.396dupT variant in CLN6 is a frameshift variant predicted to shift the reading frame beginning at codon 133 and leads to a stop codon 18 codons downstream. This variant is expected to result in nonsense mediated decay, truncation, or a dysfunctional protein product. This variant is rare in the general population with a frequency below the threshold expected for the associated phenotype(s). This variant has been observed in one or more individuals affected with the associated recessive disease, as either homozygous or compound heterozygous with a second variant (PMID: 38374194, 32412666). Given the available evidence, this variant is classified as Pathogenic.

Labcorp Genetics (formerly Invitae), Labcorp
Classification: Pathogenic for Neuronal ceroid lipofuscinosis. Last evaluated: 2025-03-16. Review status: criteria provided, single submitter. Criteria: Invitae Variant Classification Sherloc (09022015). Collection method: clinical testing. Allele origin: germline.
Comment: This sequence change creates a premature translational stop signal (p.Val133Cysfs*18) in the CLN6 gene. It is expected to result in an absent or disrupted protein product. Loss-of-function variants in CLN6 are known to be pathogenic (PMID: 19135028). This variant is not present in population databases (gnomAD no frequency). This premature translational stop signal has been observed in individual(s) with neuronal ceroid lipofuscinosis (PMID: 32412666). ClinVar contains an entry for this variant (Variation ID: 1180629). For these reasons, this variant has been classified as Pathogenic.

Fulgent Genetics
Classification: Pathogenic for Ceroid lipofuscinosis, neuronal, 6B (Kufs type); Ceroid lipofuscinosis, neuronal, 6A. Last evaluated: 2024-06-24. Review status: criteria provided, single submitter. Criteria: ACMG Guidelines, 2015. Collection method: clinical testing. Allele origin: germline.

Blueprint Genetics
Classification: Likely pathogenic for CLN6-related disorders. Last evaluated: 2021-08-10. Review status: criteria provided, single submitter. Criteria: ACMG Guidelines, 2015. Collection method: clinical testing. Allele origin: germline. Affected: yes. Observed: 3 variant alleles.

Kariminejad - Najmabadi Pathology & Genetics Center
Classification: Pathogenic for Abnormality of the nervous system. Last evaluated: 2021-07-10. Review status: criteria provided, single submitter. Criteria: ACMG Guidelines, 2015. Collection method: clinical testing. Allele origin: germline. Affected: yes.

Literature cited by the submitters: PubMed 38374194 (cited by Natera, Inc.); PubMed 32412666 (cited by Natera, Inc. and Labcorp Genetics (formerly Invitae), Labcorp); PubMed 19135028 (cited by Labcorp Genetics (formerly Invitae), Labcorp).